The following is an entry in ClinVar:

ClinVar aggregate classification (germline): Uncertain significance. Review status: criteria provided, single submitter (1 of 4 stars). 2 submissions from 2 submitters: Uncertain significance (1). 1 of the submissions does not count toward it. Last evaluated 2025-10-21.

Conditions:
Van der Woude syndrome 2 (VWS2). Identifiers: Orphanet 888, MedGen C1847604, MONDO:0011712, OMIM 606713.
GRHL3-related disorder. Also called: GRHL3-related condition.

gnomAD v4.1: 66 of 1,544,672 alleles (0.0043%); highest among the groups gnomAD compares: Middle Eastern, 0.1%; no homozygotes.

Submissions (2):

Labcorp Genetics (formerly Invitae), Labcorp
Classification: Uncertain significance for Van der Woude syndrome 2. Last evaluated: 2025-10-21. Review status: criteria provided, single submitter. Criteria: Invitae Variant Classification Sherloc (09022015). Collection method: clinical testing. Allele origin: germline.
Comment: This sequence change replaces proline, which is neutral and non-polar, with serine, which is neutral and polar, at codon 579 of the GRHL3 protein (p.Pro579Ser). This variant is present in population databases (rs535901162, gnomAD 0.008%). This variant has not been reported in the literature in individuals affected with GRHL3-related conditions. ClinVar contains an entry for this variant (Variation ID: 3352906). An algorithm developed to predict the effect of missense changes on protein structure and function (PolyPhen-2) suggests that this variant is likely to be tolerated. In summary, the available evidence is currently insufficient to determine the role of this variant in disease. Therefore, it has been classified as a Variant of Uncertain Significance.

PreventionGenetics, part of Exact Sciences
Classification: Uncertain significance for GRHL3-related condition. Last evaluated: 2024-03-27. Review status: no assertion criteria provided. Collection method: clinical testing. Allele origin: germline. Not counted in ClinVar's aggregate classification.
Comment: The GRHL3 c.1735C>T variant is predicted to result in the amino acid substitution p.Pro579Ser. To our knowledge, this variant has not been reported in the literature. This variant is reported in 0.0087% of alleles in individuals of European (Non-Finnish) descent in gnomAD. At this time, the clinical significance of this variant is uncertain due to the absence of conclusive functional and genetic evidence.

NM_198174.3(GRHL3):c.1735C>T (p.Pro579Ser)

Genes: GRHL3 (grainyhead like transcription factor 3; plus strand), STPG1 (sperm tail PG-rich repeat containing 1; minus strand). Cytogenetic location: 1p36.11.
Variant type: single nucleotide variant.
Coding change: c.1735C>T on transcript NM_198174.3; coding-DNA position 1735, C replaced by T.
Protein change: p.Pro579Ser; replaces proline 579 with serine.
Molecular consequence: missense variant. On other transcripts: intron variant (4).
Genome position (GRCh38, 1-based): chr1:24,364,225, C>T. VCF-style: chr1-24364225-C-T. GRCh37 (hg19) VCF-style: chr1-24690715-C-T.
Other names: c.738-3184G>A (NM_001199012.2, NM_001199013.2); c.597-3184G>A (NM_178122.5); c.462-3184G>A (NM_001199014.2); short protein forms P579S.
Identifiers: ClinVar variation 3352906 (VCV003352906.1).